The following is an entry in ClinVar:

NM_001370259.2(MEN1):c.563C>T (p.Pro188Leu)

Gene: MEN1 (menin 1; minus strand). Cytogenetic location: 11q13.1.
Variant type: single nucleotide variant.
Coding change: c.563C>T on transcript NM_001370259.2 (MANE Select); coding-DNA position 563, C replaced by T.
Protein change: p.Pro188Leu; replaces proline 188 with leucine.
Molecular consequence: missense variant. On other transcripts: intron variant (2).
Genome position (GRCh38, 1-based): chr11:64,807,982, G>A on the plus strand (C>T on the coding strand, the complement: MEN1 is on the minus strand). VCF-style: chr11-64807982-G-A. GRCh37 (hg19) VCF-style: chr11-64575454-G-A.
Other names: c.578C>T, p.Pro193Leu (NM_000244.4, NM_130800.3, NM_130801.3 and 3 more transcripts); c.563C>T, p.Pro188Leu (NM_001370251.2, NM_001370260.2, NM_001370261.2 and 1 more transcripts); c.549+14C>T (NM_001370263.2, NM_001370262.2); short protein forms P188L, P193L.
Identifiers: ClinVar variation 161295 (VCV000161295.31), dbSNP rs199706698, ClinGen allele CA009496.
Genomic context (GRCh38, chr11:64,807,982, plus strand): 5'-CCCCTGCGGTCCTCGTTGCCCTTGCCGTGCCAGGTGACCTCAGCTGTCTGCTCCCCATTG[G>A]GCCCAAACACTACCCAGGCATGATCCTCAGACAGGGCGAGGTGGACATCCCGGAGACCCA-3'
Protein context (NP_001357188.2, residues 178-198): SEDHAWVVFG[Pro188Leu]NGEQTAEVTW

ClinVar aggregate classification (germline): Conflicting classifications of pathogenicity. Review status: criteria provided, conflicting classifications (1 of 4 stars). 14 submissions from 14 submitters: Uncertain significance (8); Benign (1); Likely benign (4). 1 of the submissions does not count toward it. Last evaluated 2026-09-02.

Conditions:
MEN1-related disorder. Also called: MEN1-related condition.
Hyperparathyroidism. Identifiers: MedGen C0020502, MONDO:0001741, HP:0000843.
Hereditary cancer-predisposing syndrome. Also called: Tumor predisposition; Neoplastic Syndromes, Hereditary; Hereditary neoplastic syndrome; Hereditary Cancer Syndrome. Identifiers: Orphanet 140162, MedGen C0027672, MeSH D009386, MONDO:0015356.
Multiple endocrine neoplasia, type 1 (MEN1). Also called: MEN I; WERMER SYNDROME; Endocrine adenomatosis multiple; MEN 1; MEA I. Identifiers: Orphanet 652, MedGen C0025267, MeSH D018761, MONDO:0007540, OMIM 131100.

Allele frequency attached by ClinVar (database versions not stated): TOPMed 0.00003; gnomAD exomes 0.00004 and 0.00006; gnomAD 0.00005; ExAC 0.00006; ESP Exome Variant Server 0.00015.

Submissions (14):

PreventionGenetics, part of Exact Sciences
Classification: Likely benign for MEN1-related condition. Last evaluated: 2026-09-02. Review status: criteria provided, single submitter. Criteria: ACMG Guidelines, 2015. Collection method: clinical testing. Allele origin: germline.
Comment: This variant is classified as likely benign based on ACMG/AMP sequence variant interpretation guidelines (Richards et al. 2015 PMID: 25741868, with internal and published modifications).

CeGaT Center for Human Genetics Tuebingen
Classification: Uncertain significance. Last evaluated: 2026-05-01. Review status: criteria provided, single submitter. Criteria: CeGaT Center For Human Genetics Tuebingen Variant Classification Criteria Version 2. Collection method: clinical testing. Allele origin: germline. Affected: yes. Observed: 1 variant allele.

Labcorp Genetics (formerly Invitae), Labcorp
Classification: Likely benign for Multiple endocrine neoplasia, type 1. Last evaluated: 2026-01-25. Review status: criteria provided, single submitter. Criteria: Invitae Variant Classification Sherloc (09022015). Collection method: clinical testing. Allele origin: germline.

Quest Diagnostics Nichols Institute San Juan Capistrano
Classification: Uncertain significance. Last evaluated: 2025-10-16. Review status: criteria provided, single submitter. Criteria: Quest Diagnostics criteria. Collection method: clinical testing. Allele origin: unknown.

Women's Health and Genetics/Laboratory Corporation of America, LabCorp
Classification: Likely benign. Last evaluated: 2025-05-30. Review status: criteria provided, single submitter. Criteria: LabCorp Variant Classification Summary - May 2015. Collection method: clinical testing. Allele origin: germline.
Comment: Variant summary: MEN1 c.563C>T (p.Pro188Leu) results in a non-conservative amino acid change in the encoded protein sequence. Algorithms developed to predict the effect of missense changes on protein structure and function all suggest that this variant is likely to be disruptive. The variant allele was found at a frequency of 6.4e-05 in 251366 control chromosomes. The observed variant frequency is approximately 3.055 fold of the estimated maximal expected allele frequency for a pathogenic variant in MEN1 causing Multiple Endocrine Neoplasia Type 1 phenotype (2.1e-05). c.563C>T has been observed in the presumed heterozygous germline state in multiple individual(s) affected with Multiple Endocrine Neoplasia Type 1 (example, Damjanovic_2020, Isailovic_2019, Lider-Burciulescu_2024, Starker_2012), without strong evidence for causality. These report(s) do not provide unequivocal conclusions about association of the variant with Multiple Endocrine Neoplasia Type 1. To our knowledge, no experimental evidence demonstrating an impact on protein function has been reported. The following publications have been ascertained in the context of this evaluation (PMID: 32901291, 30820182, 39673085, 22187299). ClinVar contains an entry for this variant (Variation ID: 161295). Based on the evidence outlined above, the variant was classified as likely benign.

Color Diagnostics, LLC DBA Color Health
Classification: Uncertain significance for Multiple endocrine neoplasia, type 1. Last evaluated: 2025-05-14. Review status: criteria provided, single submitter. Criteria: ACMG Guidelines, 2015. Collection method: clinical testing. Allele origin: germline.
Comment: This missense variant replaces proline with leucine at codon 188 of the MEN1 protein. This variant is also known as c.578C>T (p.Pro193Leu) based on a different reference transcript in the literature. Computational prediction is inconclusive regarding the impact of this variant on protein structure and function. To our knowledge, functional studies have not been reported for this variant. This variant has been reported in an individual each affected with pancreatic endocrine tumor, pituitary neuroendocrine tumor and extra-adrenal paraganglioma (PMID: 20566584, 32901291) and at least four individuals affected with pituitary adenoma (PMID: 30820182) and an individual affected with primary hyperparathyroidism (PMID: 22187299). This variant has been identified in 63/1614014 chromosomes in the general population by the Genome Aggregation Database (gnomADv.4.1.0). Although there is a suspicion that this variant may not be associated with disease, additional studies are necessary to determine the role of this variant in disease conclusively. Therefore, this variant is classified as a Variant of Uncertain Significance.

Myriad Genetics, Inc.
Classification: Likely benign for Multiple endocrine neoplasia, type 1. Last evaluated: 2024-11-01. Review status: criteria provided, single submitter. Criteria: Myriad Autosomal Dominant, Autosomal Recessive and X-Linked Classification Criteria (2023). Collection method: clinical testing. Allele origin: unknown.
Comment: This variant is considered likely benign. This variant has been observed at a population frequency that is significantly greater than expected given the associated disease prevalence and penetrance.

Blueprint Genetics
Classification: Uncertain significance. Last evaluated: 2024-10-28. Review status: criteria provided, single submitter. Criteria: ACMG Guidelines, 2015. Collection method: clinical testing. Allele origin: germline.

All of Us Research Program, National Institutes of Health
Classification: Uncertain significance for Multiple endocrine neoplasia, type 1. Last evaluated: 2024-08-06. Review status: criteria provided, single submitter. Criteria: ACMG Guidelines, 2015. Collection method: clinical testing. Allele origin: germline. Inheritance: Autosomal dominant inheritance. Observed: 18 variant alleles, 18 heterozygotes.
Comment: This missense variant replaces proline with leucine at codon 188 of the MEN1 protein. This variant is also known as c.578C>T (p.Pro193Leu) based on a different reference transcript in the literature. Computational prediction is inconclusive regarding the impact of this variant on protein structure and function (internally defined REVEL score threshold 0.5 < inconclusive < 0.7, PMID: 27666373). To our knowledge, functional studies have not been reported for this variant. This variant has been reported in an individual each affected with pancreatic endocrine tumor, pituitary neuroendocrine tumor and extra-adrenal paraganglioma (PMID: 20566584, 32901291) and at least four individuals affected with pituitary adenoma (PMID: 30820182) and an individual affected with primary hyperparathyroidism (PMID: 22187299). This variant has been identified in 18/282730 chromosomes in the general population by the Genome Aggregation Database (gnomAD). The available evidence is insufficient to determine the role of this variant in disease conclusively. Therefore, this variant is classified as a Variant of Uncertain Significance.

This study involves interpretation of variants in research participants for the purpose of population health screening. Participant phenotype was not available at the time of variant classification. Additional details can be found in publication PMID: 35346344, PMCID: PMC8962531

GeneDx
Classification: Uncertain significance. Last evaluated: 2024-07-19. Review status: criteria provided, single submitter. Criteria: GeneDx Variant Classification Process June 2021. Collection method: clinical testing. Allele origin: germline. Affected: yes.
Comment: In silico analysis supports that this missense variant has a deleterious effect on protein structure/function; This variant is associated with the following publications: (PMID: 25637381, 22187299, 20566584, 34426522, 9989505, 37761922, 37484956, 32901291, 30820182, 30869828)

Ambry Genetics
Classification: Benign for Hereditary cancer-predisposing syndrome. Last evaluated: 2023-05-20. Review status: criteria provided, single submitter. Criteria: Ambry Variant Classification Scheme 2023. Collection method: clinical testing. Allele origin: germline.

GeneKor MSA
Classification: Uncertain significance for Hereditary cancer-predisposing syndrome. Last evaluated: 2018-08-01. Review status: criteria provided, single submitter. Criteria: ACMG Guidelines, 2015. Collection method: clinical testing. Allele origin: germline. Affected: yes.

Laboratory for Molecular Medicine, Mass General Brigham Personalized Medicine
Classification: Uncertain significance. Last evaluated: 2016-03-29. Review status: criteria provided, single submitter. Criteria: LMM Criteria. Collection method: clinical testing. Allele origin: germline.
Comment: Variant identified in a genome or exome case(s) and assessed due to predicted null impact of the variant or pathogenic assertions in the literature or databases. Disclaimer: This variant has not undergone full assessment. The following are preliminary notes: Only reported in 1 proband; ExAC: 7/66574 European chromosomes

CSER _CC_NCGL, University of Washington
Classification: Uncertain significance for Hyperparathyroidism. Last evaluated: 2014-06-01. Review status: no assertion criteria provided. Collection method: research. Allele origin: germline. Inheritance: Autosomal dominant inheritance. Study: ESP 6500 variant annotation. Not counted in ClinVar's aggregate classification.
Comment: Variants classified for the Actionable exomic incidental findings in 6503 participants: challenges of variant classification manuscript

Literature cited by the submitters: PubMed 30820182 (cited by 4 submitters); PubMed 32901291 (cited by 3 submitters); PubMed 39673085 (cited by Women's Health and Genetics/Laboratory Corporation of America, LabCorp); PubMed 22187299 (cited by 4 submitters); PubMed 20566584 (cited by Color Diagnostics, LLC DBA Color Health and All of Us Research Program, National Institutes of Health); PubMed 25637381 (cited by Ambry Genetics).